The following is an entry in ClinVar:

ClinVar aggregate classification (germline): Conflicting classifications of pathogenicity. Review status: criteria provided, conflicting classifications (1 of 4 stars). 14 submissions from 14 submitters: Uncertain significance (8); Likely benign (2). 4 of the submissions do not count toward it. Last evaluated 2026-10-23.

Conditions:
GNE-related disorder. Also called: GNE-related condition.
Sialuria. Also called: Sialic Acid Storage Disease; SIALURIA, FRENCH TYPE. Identifiers: Orphanet 3166, MedGen C0342853, MONDO:0010028, OMIM 269921.
GNE myopathy (NM). Also called: MYOPATHY, DISTAL, WITH OR WITHOUT RIMMED VACUOLES; NONAKA DISTAL MYOPATHY; IBM 2; Inclusion body myopathy autosomal recessive; Inclusion body myopathy quadriceps sparing; INCLUSION BODY MYOPATHY, HEREDITARY, AUTOSOMAL RECESSIVE. Identifiers: Orphanet 602, MedGen C1853926, MONDO:0011603, OMIM 605820.

Allele frequency attached by ClinVar (database versions not stated): 1000 Genomes Project 30x 0.00031; 1000 Genomes Project 0.00040; TOPMed 0.00084.
gnomAD v4.1: 2,187 of 1,614,204 alleles (0.14%); highest among the groups gnomAD compares: Non-Finnish European, 0.16%; 9 homozygotes.

Submissions (14):

GeneDx
Classification: Uncertain significance. Last evaluated: 2026-10-23. Review status: criteria provided, single submitter. Criteria: GeneDx Variant Classification Process June 2021. Collection method: clinical testing. Allele origin: germline.
Comment: Reported as likely non-disease causing variant as it was identified in control populations and in silico analysis predicted the variant had nondamaging/mildly severe effect on GNE protein (PMID: 24796702); In silico analysis suggests that this missense variant does not alter protein structure/function; This variant is associated with the following publications: (PMID: 28468868, 24796702, 40030011, 32759194, 30564623)

Labcorp Genetics (formerly Invitae), Labcorp
Classification: Uncertain significance for Sialuria; GNE myopathy. Last evaluated: 2026-02-02. Review status: criteria provided, single submitter. Criteria: Invitae Variant Classification Sherloc (09022015). Collection method: clinical testing. Allele origin: germline.
Comment: This sequence change replaces valine, which is neutral and non-polar, with leucine, which is neutral and non-polar, at codon 727 of the GNE protein (p.Val727Leu). This variant is present in population databases (rs121908627, gnomAD 0.1%), and has an allele count higher than expected for a pathogenic variant. This variant has not been reported in the literature in individuals affected with GNE-related conditions. ClinVar contains an entry for this variant (Variation ID: 194025). Invitae Evidence Modeling of protein sequence and biophysical properties (such as structural, functional, and spatial information, amino acid conservation, physicochemical variation, residue mobility, and thermodynamic stability) has been performed for this missense variant. However, the output from this modeling did not meet the statistical confidence thresholds required to predict the impact of this variant on GNE protein function. This variant disrupts the p.Val727 amino acid residue in GNE. Other variant(s) that disrupt this residue have been determined to be pathogenic (PMID: 11528398, 12497639, 20175955, 21708040, 24005727, 25182749). This suggests that this residue is clinically significant, and that variants that disrupt this residue are likely to be disease-causing. In summary, the available evidence is currently insufficient to determine the role of this variant in disease. Therefore, it has been classified as a Variant of Uncertain Significance.

Mayo Clinic Laboratories, Mayo Clinic
Classification: Uncertain significance. Last evaluated: 2025-09-30. Review status: criteria provided, single submitter. Criteria: ACMG Guidelines, 2015. Collection method: clinical testing. Allele origin: germline. Observed: 8 variant alleles.
Comment: BS1_supporting, BS2, PM5

CeGaT Center for Human Genetics Tuebingen
Classification: Uncertain significance. Last evaluated: 2024-12-01. Review status: criteria provided, single submitter. Criteria: CeGaT Center For Human Genetics Tuebingen Variant Classification Criteria Version 2. Collection method: clinical testing. Allele origin: germline. Affected: yes. Observed: 5 variant alleles.
Comment: GNE: PM5

Blueprint Genetics
Classification: Likely benign. Last evaluated: 2024-10-04. Review status: criteria provided, single submitter. Criteria: ACMG Guidelines, 2015. Collection method: clinical testing. Allele origin: germline.

Molecular Genetics, Royal Melbourne Hospital
Classification: Uncertain significance for GNE myopathy. Last evaluated: 2024-09-08. Review status: criteria provided, single submitter. Criteria: ACMG Guidelines, 2015. Collection method: clinical testing. Allele origin: germline. Inheritance: Autosomal recessive inheritance.
Comment: This sequence change in GNE is predicted to replace valine with leucine at codon 696, p.(Val696Leu). The valine residue is highly conserved (100 vertebrates, Multiz Alignments), and is located in the N-acetlymannosamine kinase region of interest. There is a small physicochemical difference between valine and leucine. GNE, in which the variant was identified, is a gene significantly constrained for missense variation and where pathogenic missense variants are a common mechanism of disease (gnomAD v4.1). The highest population minor allele frequency in the population database gnomAD v4.1 is 0.2% (1,918/1,180,036 alleles, 7 homozygotes) in the European (non-Finnish) population. To our knowledge, this variant has not been previously reported in individuals with GNE-related disease and has conflicting pathogenicity classifications (ClinVar ID: 194025). Computational evidence is uninformative for the missense substitution (REVEL = 0.58) and predicts no impact on splicing (SpliceAI) for the nucleotide change. Another missense variant c.2086G>A, p.(Val696Met) in the same codon has been classified as pathogenic for GNE-related myopathy (ClinVar ID: 6028). Based on the classification scheme RMH Modified ACMG/AMP Guidelines v1.7.0, this variant is classified as a VARIANT OF UNCERTAIN SIGNIFICANCE. Following criteria are met: PM3_Supporting, PM5, PP2.

Revvity Omics, Revvity
Classification: Uncertain significance. Last evaluated: 2024-09-05. Review status: criteria provided, single submitter. Criteria: ACMG Guidelines, 2015. Collection method: clinical testing. Allele origin: germline.

Illumina Laboratory Services, Illumina
Classification: Likely benign for Sialuria. Last evaluated: 2017-04-27. Review status: criteria provided, single submitter. Criteria: ICSL Variant Classification Criteria 13 December 2019. Collection method: clinical testing. Allele origin: germline.
Comment: This variant was observed as part of a predisposition screen in an ostensibly healthy population. A literature search was performed for the gene, cDNA change, and amino acid change (where applicable). No publications were found based on this search. Allele frequency data from public databases allowed determination this variant is unlikely to cause disease. Therefore, this variant is classified as likely benign.

Eurofins Ntd Llc (ga)
Classification: Uncertain significance. Last evaluated: 2016-12-27. Review status: criteria provided, single submitter. Criteria: EGL Classification Definitions. Collection method: clinical testing. Allele origin: germline. Observed: 10 variant alleles, 10 heterozygotes.

Center for Pediatric Genomic Medicine, Children's Mercy Hospital and Clinics
Classification: Uncertain significance. Last evaluated: 2016-11-08. Review status: criteria provided, single submitter. Criteria: ACMG Guidelines, 2015. Collection method: clinical testing. Allele origin: germline.
ClinVar note: Converted during submission from Uncertain Significance to Uncertain significance.

PreventionGenetics, part of Exact Sciences
Classification: Uncertain significance for GNE-related condition. Last evaluated: 2024-05-22. Review status: no assertion criteria provided. Collection method: clinical testing. Allele origin: germline. Not counted in ClinVar's aggregate classification.
Comment: The GNE c.2179G>T variant is predicted to result in the amino acid substitution p.Val727Leu. To our knowledge, this variant has not been reported in the literature. This variant is reported in 0.15% of alleles in individuals of European (Non-Finnish) descent in gnomAD, which may be too common to be an undocumented cause of disease. Although we suspect that this variant may be benign, at this time, the clinical significance of this variant is uncertain due to the absence of conclusive functional and genetic evidence.

Natera, Inc.
Classification: Uncertain significance for Nonaka myopathy. Last evaluated: 2020-01-12. Review status: no assertion criteria provided. Collection method: clinical testing. Allele origin: germline. Not counted in ClinVar's aggregate classification.

Clinical Genetics DNA and cytogenetics Diagnostics Lab, Erasmus MC, Erasmus Medical Center
Classification: Uncertain significance. Review status: no assertion criteria provided. Collection method: clinical testing. Allele origin: germline. Affected: yes. Study: VKGL Data-share Consensus. Not counted in ClinVar's aggregate classification.

Diagnostic Laboratory, Department of Genetics, University Medical Center Groningen
Classification: Uncertain significance. Review status: no assertion criteria provided. Collection method: clinical testing. Allele origin: germline. Affected: yes. Study: VKGL Data-share Consensus. Not counted in ClinVar's aggregate classification.

Literature cited by the submitters: PubMed 11528398 (cited by Labcorp Genetics (formerly Invitae), Labcorp); PubMed 12497639 (cited by Labcorp Genetics (formerly Invitae), Labcorp); PubMed 20175955 (cited by Labcorp Genetics (formerly Invitae), Labcorp); PubMed 21708040 (cited by Labcorp Genetics (formerly Invitae), Labcorp); PubMed 24005727 (cited by Labcorp Genetics (formerly Invitae), Labcorp); PubMed 25182749 (cited by Labcorp Genetics (formerly Invitae), Labcorp); PubMed 24796702 (cited by Mayo Clinic Laboratories, Mayo Clinic); PubMed 32759194 (cited by Mayo Clinic Laboratories, Mayo Clinic).

NM_005476.7(GNE):c.2086G>T (p.Val696Leu)

Gene: GNE (glucosamine (UDP-N-acetyl)-2-epimerase/N-acetylmannosamine kinase; minus strand). Cytogenetic location: 9p13.3.
Variant type: single nucleotide variant.
Coding change: c.2086G>T on transcript NM_005476.7 (MANE Select); coding-DNA position 2086, G replaced by T.
Protein change: p.Val696Leu; replaces valine 696 with leucine.
Molecular consequence: missense variant.
Genome position (GRCh38, 1-based): chr9:36,217,448, C>A on the plus strand (G>T on the coding strand, the complement: GNE is on the minus strand). VCF-style: chr9-36217448-C-A. GRCh37 (hg19) VCF-style: chr9-36217445-C-A.
Other names: p.Val696Leu; p.Val727Leu; c.2179G>T, p.Val727Leu (NM_001128227.3); c.1864G>T, p.Val622Leu (NM_001190383.3); c.1756G>T, p.Val586Leu (NM_001190384.3); c.1909G>T, p.Val637Leu (NM_001190388.2, NM_001374798.1); c.1933G>T, p.Val645Leu (NM_001374797.1); short protein forms V727L, V696L, V586L, V622L, V637L, V645L.
Identifiers: ClinVar variation 194025 (VCV000194025.70), dbSNP rs121908627, ClinGen allele CA239806.
Genomic context (GRCh38, chr9:36,217,448, plus strand): 5'-AGTCCAGAACCATGCTGGCAGCACCCAGCAGGGCGGGGTCAACCAAATCCGAAACCACCA[C>A]ATCCACGTCCTGCACGGAGGACAAGGCCTGCTGGCGAATGACGTCTTTGACAATGTGGAT-3'
Protein context (NP_005467.1, residues 686-706): QALSSVQDVD[Val696Leu]VVSDLVDPAL